The following is an entry in ClinVar:

ClinVar aggregate classification (germline): Uncertain significance. Review status: criteria provided, multiple submitters, no conflicts (2 of 4 stars). 2 submissions from 2 submitters: Uncertain significance (2). Last evaluated 2024-03-26.

Conditions:
Aortic valve disease 1 (AOVD1). Identifiers: MedGen C3887892, MONDO:0024523, OMIM 109730.

Submissions (2):

Genomic Medicine Center of Excellence, King Faisal Specialist Hospital and Research Centre
Classification: Uncertain significance for Aortic valve disease 1. Last evaluated: 2024-03-26. Review status: criteria provided, single submitter. Criteria: ACMG Guidelines, 2015. Collection method: clinical testing. Allele origin: germline.

GeneDx
Classification: Uncertain significance. Last evaluated: 2023-02-03. Review status: criteria provided, single submitter. Criteria: GeneDx Variant Classification Process June 2021. Collection method: clinical testing. Allele origin: germline. Affected: yes.
Comment: Not observed at significant frequency in large population cohorts (gnomAD); In silico analysis supports that this missense variant has a deleterious effect on protein structure/function; Has not been previously published as pathogenic or benign to our knowledge

NM_017617.5(NOTCH1):c.968G>A (p.Cys323Tyr)

Gene: NOTCH1 (notch receptor 1; minus strand). Cytogenetic location: 9q34.3.
Variant type: single nucleotide variant.
Coding change: c.968G>A on transcript NM_017617.5 (MANE Select); coding-DNA position 968, G replaced by A.
Protein change: p.Cys323Tyr; replaces cysteine 323 with tyrosine.
Molecular consequence: missense variant.
Genome position (GRCh38, 1-based): chr9:136,518,722, C>T on the plus strand (G>A on the coding strand, the complement: NOTCH1 is on the minus strand). VCF-style: chr9-136518722-C-T. GRCh37 (hg19) VCF-style: chr9-139413174-C-T.
Other names: short protein forms C323Y.
Identifiers: ClinVar variation 2575002 (VCV002575002.2), dbSNP rs2133371176, ClinGen allele CA375565516.